The following is an entry in ClinVar:

NM_000275.3(OCA2):c.2433-22889T>A

Gene: OCA2 (OCA2 melanosomal transmembrane protein; minus strand). Cytogenetic location: 15q12.
Variant type: single nucleotide variant.
Coding change: c.2433-22889T>A on transcript NM_000275.3 (MANE Select); 22889 bases into the intron before coding-DNA position 2433, T replaced by A.
Molecular consequence: intron variant.
Genome position (GRCh38, 1-based): chr15:27,778,361, A>T on the plus strand (T>A on the coding strand, the complement: OCA2 is on the minus strand). VCF-style: chr15-27778361-A-T. GRCh37 (hg19) VCF-style: chr15-28023507-A-T.
Other names: c.2361-22889T>A (NM_001300984.2).
Identifiers: ClinVar variation 3238623 (VCV003238623.4).
Genomic context (GRCh38, chr15:27,778,361, plus strand): 5'-GCAGCATTCATTCTTCTGTTTCTAAAACGAGCTCATACGCACCAGGAGAATGTGACCATC[A>T]AAAAGAAAGAAAAACAAAAGAGAGGAAAGTCTCATCAGAAGAGTCTGTGTTTGGTGAGGT-3'

ClinVar aggregate classification (germline): Pathogenic/Likely pathogenic. Review status: criteria provided, multiple submitters, no conflicts (2 of 4 stars). 2 submissions from 2 submitters: Pathogenic (1); Likely pathogenic (1). Last evaluated 2026-03-31.

Conditions:
Tyrosinase-positive oculocutaneous albinism (OCA2). Also called: ALBINISM II; Oculocutaneous albinism type 2; Albinism, oculocutaneous, type II. Identifiers: Orphanet 79432, MedGen C0268495, MONDO:0008746, OMIM 203200.

gnomAD v4.1: 1 of 152,184 alleles (0.00066%); highest among the groups gnomAD compares: Non-Finnish European, 0.0015%; no homozygotes.

Submissions (2):

GeneDx
Classification: Likely pathogenic. Last evaluated: 2026-03-31. Review status: criteria provided, single submitter. Criteria: GeneDx Variant Classification Process June 2021. Collection method: clinical testing. Allele origin: germline.
Comment: RNA studies demonstrate a damaging effect: the variant creates a cryptic splice site that introduces a pseduoexon between exon 23 and exon 24 (PMID: 39201349); In silico analysis supports a deleterious effect on splicing; No data available from control populations to assess the frequency of this variant; This variant is associated with the following publications: (PMID: 39201349)

Molecular Genetics, University Hospital Bordeaux
Classification: Pathogenic for Tyrosinase-positive oculocutaneous albinism. Last evaluated: 2023-06-04. Review status: criteria provided, single submitter. Criteria: ACMG Guidelines, 2015. Collection method: clinical testing, in vitro. Allele origin: inherited, not applicable. Affected: yes. Functional consequence: sequence_variant_affecting_splicing.